The following is an entry in ClinVar:

NM_004628.5(XPC):c.1808G>A (p.Trp603Ter)

Gene: XPC (XPC complex subunit, DNA damage recognition and repair factor; minus strand). Cytogenetic location: 3p25.1.
Variant type: single nucleotide variant.
Coding change: c.1808G>A on transcript NM_004628.5 (MANE Select); coding-DNA position 1808, G replaced by A.
Protein change: p.Trp603Ter; replaces tryptophan 603 with a stop codon.
Molecular consequence: nonsense. On other transcripts: non-coding transcript variant (2), intron variant (1).
Genome position (GRCh38, 1-based): chr3:14,158,075, C>T on the plus strand (G>A on the coding strand, the complement: XPC is on the minus strand). VCF-style: chr3-14158075-C-T. GRCh37 (hg19) VCF-style: chr3-14199575-C-T.
Other names: c.1229G>A, p.Trp410Ter (NM_001354726.2); c.1808G>A, p.Trp603Ter (NM_001354727.2); c.1790G>A, p.Trp597Ter (NM_001354729.2); c.1626+182G>A (NM_001354730.2); short protein forms W603*, W597*, W410*.
Identifiers: ClinVar variation 5003302 (VCV005003302.1).
Genomic context (GRCh38, chr3:14,158,075, plus strand): 5'-AAGTCTTCTTTCTTCTCCCTGTCCATAAATGGGCTCTGGTATGGTCTCAAGGTCTCGGCC[C>T]ACCACTCAGCATCAACCCGGCACTTGCGGGTCACTGTCATCCAGACTGGGTCGTACCTCT-3'

ClinVar aggregate classification (germline): Pathogenic (1 of 4 stars; one submission).

Conditions:
Xeroderma pigmentosum, group C (XPC). Also called: Xeroderma pigmentosum, complementation group C; XERODERMA PIGMENTOSUM III; XP, GROUP C; XPC-Related Xeroderma Pigmentosum. Identifiers: Orphanet 910, MedGen C2752147, MONDO:0010211, OMIM 278720.

gnomAD v4.1: 1 of 1,613,842 alleles (0.000062%); highest among the groups gnomAD compares: Non-Finnish European, 0.000085%; no homozygotes.

Submission:

Myriad Genetics, Inc.
Classification: Pathogenic for Xeroderma pigmentosum, group C. Last evaluated: 2025-12-17. Review status: criteria provided, single submitter. Criteria: Myriad Autosomal Dominant, Autosomal Recessive and X-Linked Classification Criteria (2023). Collection method: clinical testing. Allele origin: unknown.
Comment: NM_004628.4(XPC):c.1808G>A(W603*) is a nonsense variant classified as pathogenic in the context of xeroderma pigmentosum group C. W603* has not been observed in cases with relevant disease. Relevant functional assessments of this variant are not available in the literature. W603* has been observed in referenced population frequency databases. In summary, NM_004628.4(XPC):c.1808G>A(W603*) is a nonsense variant in a gene where loss of function is a known mechanism of disease and is predicted to disrupt protein function. Please note: this variant was assessed in the context of healthy population screening.